The following is an entry in ClinVar:

ClinVar aggregate classification (germline): Uncertain significance. Review status: criteria provided, multiple submitters, no conflicts (2 of 4 stars). 2 submissions from 2 submitters: Uncertain significance (2). Last evaluated 2025-06-07.

gnomAD v4.1: 137 of 1,611,344 alleles (0.0085%); highest among the groups gnomAD compares: South Asian, 0.12%; no homozygotes.

Submissions (2):

Ambry Genetics
Classification: Uncertain significance. Last evaluated: 2025-06-07. Review status: criteria provided, single submitter. Criteria: Ambry Variant Classification Scheme 2023. Collection method: clinical testing. Allele origin: germline.

Labcorp Genetics (formerly Invitae), Labcorp
Classification: Uncertain significance. Last evaluated: 2022-08-23. Review status: criteria provided, single submitter. Criteria: Invitae Variant Classification Sherloc (09022015). Collection method: clinical testing. Allele origin: germline.
Comment: This sequence change replaces asparagine, which is neutral and polar, with serine, which is neutral and polar, at codon 111 of the ZNF341 protein (p.Asn111Ser). This variant is present in population databases (rs534585828, gnomAD 0.2%). This variant has not been reported in the literature in individuals affected with ZNF341-related conditions. ClinVar contains an entry for this variant (Variation ID: 1345899). Algorithms developed to predict the effect of missense changes on protein structure and function output the following: SIFT: "Tolerated"; PolyPhen-2: "Benign"; Align-GVGD: "Class C0". The serine amino acid residue is found in multiple mammalian species, which suggests that this missense change does not adversely affect protein function. Algorithms developed to predict the effect of sequence changes on RNA splicing suggest that this variant may create or strengthen a splice site. In summary, the available evidence is currently insufficient to determine the role of this variant in disease. Therefore, it has been classified as a Variant of Uncertain Significance.

NM_001282933.2(ZNF341):c.332A>G (p.Asn111Ser)

Gene: ZNF341 (zinc finger protein 341; plus strand). Cytogenetic location: 20q11.22.
Variant type: single nucleotide variant.
Coding change: c.332A>G on transcript NM_001282933.2 (MANE Select); coding-DNA position 332, A replaced by G.
Protein change: p.Asn111Ser; replaces asparagine 111 with serine.
Molecular consequence: missense variant. On other transcripts: non-coding transcript variant (1), intron variant (1).
Genome position (GRCh38, 1-based): chr20:33,745,292, A>G. VCF-style: chr20-33745292-A-G. GRCh37 (hg19) VCF-style: chr20-32333098-A-G.
Other names: c.332A>G, p.Asn111Ser (NM_032819.5); c.70-3631A>G (NM_001282935.2); c.332A>G (NM_032819.3); short protein forms N111S.
Identifiers: ClinVar variation 1345899 (VCV001345899.6), dbSNP rs534585828, ClinGen allele CA9819126.